The following is an entry in ClinVar:

NM_002303.6(LEPR):c.2674-5817A>C

Gene: LEPR (leptin receptor; plus strand). Cytogenetic location: 1p31.3.
Variant type: single nucleotide variant.
Coding change: c.2674-5817A>C on transcript NM_002303.6 (MANE Select); 5817 bases into the intron before coding-DNA position 2674, A replaced by C.
Molecular consequence: intron variant. On other transcripts: missense variant (2).
Genome position (GRCh38, 1-based): chr1:65,630,374, A>C. VCF-style: chr1-65630374-A-C. GRCh37 (hg19) VCF-style: chr1-66096057-A-C.
Other names: c.2846A>C, p.Lys949Thr (NM_001003680.3, NM_001198687.2); c.2674-2778A>C (NM_001003679.3, NM_001198689.2); short protein forms K949T.
Identifiers: ClinVar variation 4992862 (VCV004992862.1).
Genomic context (GRCh38, chr1:65,630,374, plus strand): 5'-ACCTTTGTTCACTTGTTTATCTGCTGACCCTCCCTCCACTATTGTCCTATGACCCTGCCA[A>C]ATCCCCCTCTGTGAGAAACACCCAAGAATGATCAATAAAAAAAAAAAAGAAAGAAAAAAA-3'

ClinVar aggregate classification (germline): Uncertain significance (1 of 4 stars; one submission).

Conditions:
LEPR-related disorder. Also called: LEPR-related disorders; LEPR-related condition.

Submission:

PreventionGenetics, part of Exact Sciences
Classification: Uncertain significance for LEPR-related condition. Last evaluated: 2026-04-27. Review status: criteria provided, single submitter. Criteria: ACMG Guidelines, 2015. Collection method: clinical testing. Allele origin: germline.
Comment: The LEPR c.2846A>C variant is predicted to result in the amino acid substitution p.Lys949Thr. To our knowledge, this variant has not been reported in the literature or in a large population database (gnomAD), indicating this variant is rare. At this time, the clinical significance of this variant is uncertain due to the absence of conclusive functional and genetic evidence.